The following is an entry in ClinVar:

ClinVar aggregate classification (germline): Conflicting classifications of pathogenicity. Review status: criteria provided, conflicting classifications (1 of 4 stars). 10 submissions from 8 submitters: Uncertain significance (1); Benign (5); Likely benign (3). 1 of the submissions does not count toward it. Last evaluated 2026-06-01.

Conditions:
MYO7A-related disorder. Also called: MYO7A-related disorders.
Usher syndrome type 1 (USH1). Also called: RETINITIS PIGMENTOSA AND CONGENITAL DEAFNESS. Identifiers: Orphanet 231169, Orphanet 886, MedGen C1568247, MONDO:0010168, OMIM 276900.
Autosomal recessive nonsyndromic hearing loss 2. Also called: NEUROSENSORY NONSYNDROMIC RECESSIVE DEAFNESS 2; DEAFNESS, AUTOSOMAL RECESSIVE 2. Identifiers: Orphanet 90636, MedGen C1838701, MONDO:0010807, OMIM 600060.
Autosomal dominant nonsyndromic hearing loss 11. Identifiers: Orphanet 90635, MedGen C1832475, MONDO:0011032, OMIM 601317.

Allele frequency attached by ClinVar (database versions not stated): gnomAD 0.00087 and 0.00111; TOPMed 0.00096; gnomAD exomes 0.00121 and 0.00175; 1000 Genomes Project 0.00200; 1000 Genomes Project 30x 0.00203; ExAC 0.00603.
gnomAD v4.1: 1,902 of 1,575,108 alleles (0.12%); highest among the groups gnomAD compares: South Asian, 0.75%; 9 homozygotes.

Submissions (10):

CeGaT Center for Human Genetics Tuebingen
Classification: Likely benign. Last evaluated: 2026-06-01. Review status: criteria provided, single submitter. Criteria: CeGaT Center For Human Genetics Tuebingen Variant Classification Criteria Version 2. Collection method: clinical testing. Allele origin: germline. Affected: yes. Observed: 10 variant alleles.
Comment: MYO7A: BP4, BP7

Labcorp Genetics (formerly Invitae), Labcorp
Classification: Benign. Last evaluated: 2026-01-28. Review status: criteria provided, single submitter. Criteria: Invitae Variant Classification Sherloc (09022015). Collection method: clinical testing. Allele origin: germline.

Blueprint Genetics
Classification: Likely benign. Last evaluated: 2024-11-14. Review status: criteria provided, single submitter. Criteria: ACMG Guidelines, 2015. Collection method: clinical testing. Allele origin: germline.

ARUP Laboratories, Molecular Genetics and Genomics, ARUP Laboratories
Classification: Benign. Last evaluated: 2019-02-20. Review status: criteria provided, single submitter. Criteria: ARUP Molecular Germline Variant Investigation Process. Collection method: clinical testing. Allele origin: germline.

GeneDx
Classification: Benign. Last evaluated: 2018-07-12. Review status: criteria provided, single submitter. Criteria: GeneDx Variant Classification Process June 2021. Collection method: clinical testing. Allele origin: germline. Affected: yes.

Illumina Laboratory Services, Illumina
Classification: Benign for Autosomal dominant nonsyndromic hearing loss 11. Last evaluated: 2018-01-13. Review status: criteria provided, single submitter. Criteria: ICSL Variant Classification Criteria 13 December 2019. Collection method: clinical testing. Allele origin: germline.
Comment: This variant was observed in the ICSL laboratory as part of a predisposition screen in an ostensibly healthy population. It had not been previously curated by ICSL or reported in the Human Gene Mutation Database (HGMD: prior to June 1st, 2018), and was therefore a candidate for classification through an automated scoring system. Utilizing variant allele frequency, disease prevalence and penetrance estimates, and inheritance mode, an automated score was calculated to assess if this variant is too frequent to cause the disease. Based on the score and internal cut-off values, a variant classified as benign is not then subjected to further curation. The score for this variant resulted in a classification of benign for this disease.

Illumina Laboratory Services, Illumina
Classification: Uncertain significance for Autosomal recessive nonsyndromic hearing loss 2. Last evaluated: 2018-01-13. Review status: criteria provided, single submitter. Criteria: ICSL Variant Classification Criteria 13 December 2019. Collection method: clinical testing. Allele origin: germline.

Illumina Laboratory Services, Illumina
Classification: Likely benign for Usher syndrome type 1. Last evaluated: 2018-01-13. Review status: criteria provided, single submitter. Criteria: ICSL Variant Classification Criteria 13 December 2019. Collection method: clinical testing. Allele origin: germline.
Comment: This variant was observed in the ICSL laboratory as part of a predisposition screen in an ostensibly healthy population. It had not been previously curated by ICSL or reported in the Human Gene Mutation Database (HGMD: prior to June 1st, 2018), and was therefore a candidate for classification through an automated scoring system. Utilizing variant allele frequency, disease prevalence and penetrance estimates, and inheritance mode, an automated score was calculated to assess if this variant is too frequent to cause the disease. Based on the score and internal cut-off values, a variant classified as likely benign is not then subjected to further curation. The score for this variant resulted in a classification of likely benign for this disease.

Laboratory for Molecular Medicine, Mass General Brigham Personalized Medicine
Classification: Benign. Last evaluated: 2015-07-05. Review status: criteria provided, single submitter. Criteria: LMM Criteria. Collection method: clinical testing. Allele origin: germline. Observed: 8 variant alleles.
Comment: Ala1540Ala in Exon 35 of MYO7A: This variant is not expected to have clinical s ignificance because it does not alter an amino acid residue, it is not located w ithin the splice consensus sequence, and it has been observed in 1.9% (78/4130) of South Asian chromosomes by the Exome Aggregation Consortium (ExAC; dbSNP rs41298745).

PreventionGenetics, part of Exact Sciences
Classification: Benign for MYO7A-related condition. Last evaluated: 2019-11-01. Review status: no assertion criteria provided. Collection method: clinical testing. Allele origin: germline. Not counted in ClinVar's aggregate classification.
Comment: This variant is classified as benign based on ACMG/AMP sequence variant interpretation guidelines (Richards et al. 2015 PMID: 25741868, with internal and published modifications).

NM_000260.4(MYO7A):c.4620G>A (p.Ala1540=)

Gene: MYO7A (myosin VIIA; plus strand). Cytogenetic location: 11q13.5.
Variant type: single nucleotide variant.
Coding change: c.4620G>A on transcript NM_000260.4 (MANE Select); coding-DNA position 4620, G replaced by A.
Protein change: p.Ala1540=; no amino-acid change (alanine 1540 retained).
Molecular consequence: synonymous variant. On other transcripts: intron variant (2).
Genome position (GRCh38, 1-based): chr11:77,199,586, G>A. VCF-style: chr11-77199586-G-A. GRCh37 (hg19) VCF-style: chr11-76910631-G-A.
Other names: c.4536-63G>A (NM_001369365.1); c.4569-63G>A (NM_001127180.2).
Identifiers: ClinVar variation 43251 (VCV000043251.58), dbSNP rs41298745, ClinGen allele CA132339.
Genomic context (GRCh38, chr11:77,199,586, plus strand): 5'-CTCCTTCAGGGAGTGCCGTGTCTGGCTCTCACTGGGCTGCTCTGATCTTGGCTGTGCTGC[G>A]CCTCACTCAGGCTGGGCAGGACTGACCCCGGCGGGGCCCTGTTCTCCGTGTTGGTCCTGC-3'
Protein context (NP_000251.3, residues 1530-1550): SLGCSDLGCA[Ala1540=]PHSGWAGLTP